The following is an entry in ClinVar:

ClinVar aggregate classification (germline): Uncertain significance. Review status: criteria provided, multiple submitters, no conflicts (2 of 4 stars). 3 submissions from 3 submitters: Uncertain significance (3). Last evaluated 2025-12-22.

Conditions:
Nephronophthisis 19 (NPHP19). Identifiers: Orphanet 84081, MedGen C4015542, MONDO:0014537, OMIM 616217.
Autosomal recessive nonsyndromic hearing loss 66 (DFNB66). Also called: Deafness, autosomal recessive 66. Identifiers: Orphanet 90636, MedGen C1857750, MONDO:0012442, OMIM 610212.
Isolated neonatal sclerosing cholangitis (NSC). Also called: Sclerosing cholangitis, neonatal. Identifiers: Orphanet 480556, MedGen C4479344, MONDO:0018816, OMIM 617394.

Allele frequency attached by ClinVar (database versions not stated): gnomAD 0.00002; TOPMed 0.00002; ExAC 0.00002.
gnomAD v4.1: 71 of 1,610,836 alleles (0.0044%); highest among the groups gnomAD compares: Non-Finnish European, 0.0057%; no homozygotes.

Submissions (3):

GeneDx
Classification: Uncertain significance. Last evaluated: 2025-12-22. Review status: criteria provided, single submitter. Criteria: GeneDx Variant Classification Process June 2021. Collection method: clinical testing. Allele origin: germline. Affected: yes.
Comment: Identified in an unaffected control in published literature (PMID: 30664616); In silico analysis supports that this missense variant has a deleterious effect on protein structure/function; Not observed at significant frequency in large population cohorts (gnomAD); This variant is associated with the following publications: (PMID: 28866788, 30664616)

Fulgent Genetics
Classification: Uncertain significance for Autosomal recessive nonsyndromic hearing loss 66; Nephronophthisis 19; Isolated neonatal sclerosing cholangitis. Last evaluated: 2024-04-07. Review status: criteria provided, single submitter. Criteria: ACMG Guidelines, 2015. Collection method: clinical testing. Allele origin: germline.

Revvity Omics, Revvity
Classification: Uncertain significance. Last evaluated: 2023-03-21. Review status: criteria provided, single submitter. Criteria: ACMG Guidelines, 2015. Collection method: clinical testing. Allele origin: germline.

NM_016356.5(DCDC2):c.1028C>T (p.Pro343Leu)

Gene: DCDC2 (doublecortin domain containing 2; minus strand). Cytogenetic location: 6p22.3.
Variant type: single nucleotide variant.
Coding change: c.1028C>T on transcript NM_016356.5 (MANE Select); coding-DNA position 1028, C replaced by T.
Protein change: p.Pro343Leu; replaces proline 343 with leucine.
Molecular consequence: missense variant.
Genome position (GRCh38, 1-based): chr6:24,178,628, G>A on the plus strand (C>T on the coding strand, the complement: DCDC2 is on the minus strand). VCF-style: chr6-24178628-G-A. GRCh37 (hg19) VCF-style: chr6-24178856-G-A.
Other names: c.1028C>T, p.Pro343Leu (NM_001195610.2); short protein forms P343L.
Identifiers: ClinVar variation 1704142 (VCV001704142.6), dbSNP rs766600237, ClinGen allele CA3654523.
Genomic context (GRCh38, chr6:24,178,628, plus strand): 5'-TTCTGTTCTGCATCCTTGTTTGCCTTCTCTCCATCTTCTTCCTCGTCTACTATTTCTGCT[G>A]GCCTCTGATGGATCAAAAGGAATAATGGATAAAAGTAAGAAGCATAACAGAACATTTCCA-3'
Protein context (NP_057440.2, residues 333-353): TQVEVPVDQR[Pro343Leu]AEIVDEEEDG